The following is an entry in ClinVar:

NM_000531.6(OTC):c.715G>C (p.Glu239Gln)

Gene: OTC (ornithine transcarbamylase; plus strand). Cytogenetic location: Xp11.4.
Variant type: single nucleotide variant.
Coding change: c.715G>C on transcript NM_000531.6 (MANE Select); coding-DNA position 715, G replaced by C.
Protein change: p.Glu239Gln; replaces glutamic acid 239 with glutamine.
Molecular consequence: missense variant.
Genome position (GRCh38, 1-based): chrX:38,408,793, G>C. VCF-style: chrX-38408793-G-C. GRCh37 (hg19) VCF-style: chrX-38268046-G-C.
Other names: c.715G>C, p.Glu239Gln (NM_001407092.1); short protein forms E239Q.
Identifiers: ClinVar variation 3335988 (VCV003335988.2).

ClinVar aggregate classification (germline): Uncertain significance. Review status: criteria provided, multiple submitters, no conflicts (2 of 4 stars). 2 submissions from 2 submitters: Uncertain significance (2). Last evaluated 2025-10-25.

Conditions:
Ornithine carbamoyltransferase deficiency (OTCD). Also called: ORNITHINE TRANSCARBAMYLASE DEFICIENCY; ORNITHINE TRANSCARBAMYLASE DEFICIENCY, HYPERAMMONEMIA DUE TO; OTC DEFICIENCY; Ornithine Carbamoyltransferase Deficiency Disease. Identifiers: Orphanet 664, MedGen C0268542, MONDO:0010703, OMIM 311250.

Submissions (2):

3billion
Classification: Uncertain significance for Ornithine carbamoyltransferase deficiency. Last evaluated: 2025-10-25. Review status: criteria provided, single submitter. Criteria: ACMG Guidelines, 2015. Collection method: clinical testing. Allele origin: germline. Affected: yes.
Comment: The variant is not observed in the gnomAD v4.1.0 dataset. Predicted Consequence/Location: Missense variant Damaging effect on gene or gene product predicted by in silico programs is uncertain [REVEL: 0.55 (damaging >=0.6, benign <0.4), 3Cnet: 0.49 (damaging >0.75, benign <0.1)]. Different missense changes at the same codon (p.Glu239Asp, p.Glu239Gly, p.Glu239Val) have been reported as pathogenic/likely pathogenic with strong evidence (ClinVar ID: VCV000097295, VCV000097296, VCV000097302, VCV002664686 /PMID: 16786505). Therefore, this variant is classified as VUS according to the recommendation of ACMG/AMP guideline.

Women's Health and Genetics/Laboratory Corporation of America, LabCorp
Classification: Uncertain significance. Last evaluated: 2024-05-13. Review status: criteria provided, single submitter. Criteria: LabCorp Variant Classification Summary - May 2015. Collection method: clinical testing. Allele origin: germline.

Literature cited by the submitters: PubMed 16786505 (cited by 3billion).